The following is an entry in ClinVar:

ClinVar aggregate classification (germline): Uncertain significance. Review status: criteria provided, multiple submitters, no conflicts (2 of 4 stars). 3 submissions from 3 submitters: Uncertain significance (3). Last evaluated 2024-04-16.

Conditions:
Hereditary cancer-predisposing syndrome. Also called: Neoplastic Syndromes, Hereditary; Hereditary Cancer Syndrome; Hereditary neoplastic syndrome; Tumor predisposition. Identifiers: Orphanet 140162, MedGen C0027672, MeSH D009386, MONDO:0015356.
Familial cancer of breast. Also called: hereditary breast carcinoma; BREAST CANCER, FAMILIAL; Hereditary breast cancer. Identifiers: Orphanet 227535, MedGen C0346153, MONDO:0016419, OMIM 114480. Disease mechanism: loss of function.
Ataxia-telangiectasia syndrome (AT). Also called: Ataxia-telangiectasia, complementation group E; Cerebello-oculocutaneous telangiectasia; Immunodeficiency with ataxia telangiectasia; Ataxia-telangiectasia, complementation group D; AT, COMPLEMENTATION GROUP C; Ataxia-telangiectasia. Identifiers: Orphanet 100, MedGen C0004135, MONDO:0008840, OMIM 208900.

Allele frequency attached by ClinVar (database versions not stated): gnomAD exomes below 0.00001.
gnomAD v4.1: 1 of 1,613,568 alleles (0.000062%); highest among the groups gnomAD compares: South Asian, 0.0011%; no homozygotes.

Submissions (3):

Labcorp Genetics (formerly Invitae), Labcorp
Classification: Uncertain significance for Ataxia-telangiectasia syndrome. Last evaluated: 2024-04-16. Review status: criteria provided, single submitter. Criteria: Invitae Variant Classification Sherloc (09022015). Collection method: clinical testing. Allele origin: germline.
Comment: This sequence change falls in intron 30 of the ATM gene. It does not directly change the encoded amino acid sequence of the ATM protein. It affects a nucleotide within the consensus splice site. This variant is not present in population databases (gnomAD no frequency). This variant has not been reported in the literature in individuals affected with ATM-related conditions. ClinVar contains an entry for this variant (Variation ID: 853529). Variants that disrupt the consensus splice site are a relatively common cause of aberrant splicing (PMID: 17576681, 9536098). Algorithms developed to predict the effect of sequence changes on RNA splicing suggest that this variant may disrupt the consensus splice site. In summary, the available evidence is currently insufficient to determine the role of this variant in disease. Therefore, it has been classified as a Variant of Uncertain Significance.

Ambry Genetics
Classification: Uncertain significance for Hereditary cancer-predisposing syndrome. Last evaluated: 2023-06-02. Review status: criteria provided, single submitter. Criteria: Ambry Variant Classification Scheme 2023. Collection method: clinical testing. Allele origin: germline.
Comment: The c.4611+3A>G intronic variant results from an A to G substitution 3 nucleotides after coding exon 29 in the ATM gene. This nucleotide position is well conserved in available vertebrate species. In silico splice site analysis predicts that this alteration will weaken the native splice donor site. Since supporting evidence is limited at this time, the clinical significance of this alteration remains unclear.

Baylor Genetics
Classification: Uncertain significance for Familial cancer of breast. Last evaluated: 2022-06-30. Review status: criteria provided, single submitter. Criteria: ACMG Guidelines, 2015. Collection method: clinical testing. Allele origin: unknown.

Literature cited by the submitters: PubMed 17576681 (cited by Labcorp Genetics (formerly Invitae), Labcorp); PubMed 9536098 (cited by Labcorp Genetics (formerly Invitae), Labcorp).

NM_000051.4(ATM):c.4611+3A>G

Gene: ATM (ATM serine/threonine kinase; plus strand). Cytogenetic location: 11q22.3.
Variant type: single nucleotide variant.
Coding change: c.4611+3A>G on transcript NM_000051.4 (MANE Select); 3 bases into the intron after coding-DNA position 4611, A replaced by G.
Molecular consequence: intron variant.
Genome position (GRCh38, 1-based): chr11:108,292,796, A>G. VCF-style: chr11-108292796-A-G. GRCh37 (hg19) VCF-style: chr11-108163523-A-G.
Other names: c.4611+3A>G (NM_001351834.2).
Identifiers: ClinVar variation 853529 (VCV000853529.9), dbSNP rs2082874444, ClinGen allele CA916080471.